The following is an entry in ClinVar:

NM_001761.3(CCNF):c.1799T>C (p.Leu600Pro)

Gene: CCNF (cyclin F; plus strand). Cytogenetic location: 16p13.3.
Variant type: single nucleotide variant.
Coding change: c.1799T>C on transcript NM_001761.3 (MANE Select); coding-DNA position 1799, T replaced by C.
Protein change: p.Leu600Pro; replaces leucine 600 with proline.
Molecular consequence: missense variant.
Genome position (GRCh38, 1-based): chr16:2,455,478, T>C. VCF-style: chr16-2455478-T-C. GRCh37 (hg19) VCF-style: chr16-2505479-T-C.
Other names: c.875T>C, p.Leu292Pro (NM_001323538.2); short protein forms L292P, L600P.
Identifiers: ClinVar variation 3239325 (VCV003239325.19), dbSNP rs201114363.

ClinVar aggregate classification (germline): Uncertain significance (1 of 4 stars; one submission).

Allele frequency attached by ClinVar (database versions not stated): gnomAD exomes below 0.00001; ExAC 0.00001; TOPMed 0.00001; gnomAD 0.00003; 1000 Genomes Project 30x 0.00016; 1000 Genomes Project 0.00020.
gnomAD v4.1: 9 of 1,606,494 alleles (0.00056%); highest among the groups gnomAD compares: Middle Eastern, 0.017%; no homozygotes.

Submission:

CeGaT Center for Human Genetics Tuebingen
Classification: Uncertain significance. Last evaluated: 2024-05-01. Review status: criteria provided, single submitter. Criteria: CeGaT Center For Human Genetics Tuebingen Variant Classification Criteria Version 2. Collection method: clinical testing. Allele origin: germline. Affected: yes. Observed: 1 variant allele.
Comment: CCNF: PM2